The following is an entry in ClinVar:

ClinVar aggregate classification (germline): Uncertain significance. Review status: criteria provided, multiple submitters, no conflicts (2 of 4 stars). 2 submissions from 2 submitters: Uncertain significance (2). Last evaluated 2021-07-29.

Conditions:
Severe combined immunodeficiency due to DNA-PKcs deficiency. Also called: IMMUNODEFICIENCY 26 WITH NEUROLOGIC ABNORMALITIES; Immunodeficiency 26 with or without neurologic abnormalities. Identifiers: Orphanet 317425, MedGen C4014833, MONDO:0014423, OMIM 615966.

Allele frequency attached by ClinVar (database versions not stated): TOPMed below 0.00001; gnomAD 0.00003 and 0.00004.
gnomAD v4.1: 4 of 1,613,750 alleles (0.00025%); highest among the groups gnomAD compares: African/African-American, 0.0053%; no homozygotes.

Submissions (2):

Ambry Genetics
Classification: Uncertain significance. Last evaluated: 2021-07-29. Review status: criteria provided, single submitter. Criteria: Ambry Variant Classification Scheme 2023. Collection method: clinical testing. Allele origin: germline.
Comment: The p.L438I variant (also known as c.1312C>A), located in coding exon 13 of the PRKDC gene, results from a C to A substitution at nucleotide position 1312. The leucine at codon 438 is replaced by isoleucine, an amino acid with highly similar properties. This amino acid position is conserved. In addition, this alteration is predicted to be tolerated by in silico analysis. Since supporting evidence is limited at this time, the clinical significance of this alteration remains unclear.

Labcorp Genetics (formerly Invitae), Labcorp
Classification: Uncertain significance for Severe combined immunodeficiency due to DNA-PKcs deficiency. Last evaluated: 2019-05-27. Review status: criteria provided, single submitter. Criteria: Invitae Variant Classification Sherloc (09022015). Collection method: clinical testing. Allele origin: germline.
Comment: This sequence change replaces leucine with isoleucine at codon 438 of the PRKDC protein (p.Leu438Ile). The leucine residue is highly conserved and there is a small physicochemical difference between leucine and isoleucine. In summary, the available evidence is currently insufficient to determine the role of this variant in disease. Therefore, it has been classified as a Variant of Uncertain Significance. Algorithms developed to predict the effect of missense changes on protein structure and function are either unavailable or do not agree on the potential impact of this missense change (SIFT: "Tolerated"; PolyPhen-2: "Not Available"; Align-GVGD: "Class C0"). This variant has not been reported in the literature in individuals with PRKDC-related conditions. This variant is not present in population databases (ExAC no frequency).

NM_006904.7(PRKDC):c.1312C>A (p.Leu438Ile)

Gene: PRKDC (protein kinase, DNA-activated, catalytic subunit; minus strand). Cytogenetic location: 8q11.21.
Variant type: single nucleotide variant.
Coding change: c.1312C>A on transcript NM_006904.7 (MANE Select); coding-DNA position 1312, C replaced by A.
Protein change: p.Leu438Ile; replaces leucine 438 with isoleucine.
Molecular consequence: missense variant.
Genome position (GRCh38, 1-based): chr8:47,935,867, G>T on the plus strand (C>A on the coding strand, the complement: PRKDC is on the minus strand). VCF-style: chr8-47935867-G-T. GRCh37 (hg19) VCF-style: chr8-48848427-G-T.
Other names: c.1312C>A, p.Leu438Ile (NM_001081640.2); short protein forms L438I.
Identifiers: ClinVar variation 948401 (VCV000948401.10), dbSNP rs1324484032, ClinGen allele CA371165951.